The following is an entry in ClinVar:

NM_001267550.2(TTN):c.46215C>T (p.Phe15405=)

Gene: TTN (titin; minus strand). Cytogenetic location: 2q31.2.
Variant type: single nucleotide variant.
Coding change: c.46215C>T on transcript NM_001267550.2 (MANE Select); coding-DNA position 46215, C replaced by T.
Protein change: p.Phe15405=; no amino-acid change (phenylalanine 15405 retained).
Molecular consequence: synonymous variant.
Genome position (GRCh38, 1-based): chr2:178,620,306, G>A on the plus strand (C>T on the coding strand, the complement: TTN is on the minus strand). VCF-style: chr2-178620306-G-A. GRCh37 (hg19) VCF-style: chr2-179485033-G-A.
Other names: c.41292C>T, p.Phe13764= (NM_001256850.1); c.19020C>T, p.Phe6340= (NM_003319.4); c.38511C>T, p.Phe12837= (NM_133378.4); c.19395C>T, p.Phe6465= (NM_133432.3); c.19596C>T, p.Phe6532= (NM_133437.4).
Identifiers: ClinVar variation 697043 (VCV000697043.15), dbSNP rs779560487, ClinGen allele CA1995288.

ClinVar aggregate classification (germline): Likely benign. Review status: criteria provided, multiple submitters, no conflicts (2 of 4 stars). 3 submissions from 3 submitters: Likely benign (3). Last evaluated 2026-06-01.

Conditions:
Autosomal recessive limb-girdle muscular dystrophy type 2J (LGMDR10). Also called: Limb-girdle muscular dystrophy, type 2J; MUSCULAR DYSTROPHY, LIMB-GIRDLE, AUTOSOMAL RECESSIVE 10. Identifiers: Orphanet 140922, MedGen C1837342, MONDO:0012127, OMIM 608807.
Dilated cardiomyopathy 1G (CMD1G). Identifiers: Orphanet 154, MedGen C1858763, MONDO:0011400, OMIM 604145.
Cardiovascular phenotype. Identifiers: MedGen CN230736.

Allele frequency attached by ClinVar (database versions not stated): gnomAD exomes below 0.00001; ExAC 0.00001.
gnomAD v4.1: 4 of 1,573,102 alleles (0.00025%); highest among the groups gnomAD compares: Non-Finnish European, 0.00035%; no homozygotes.

Submissions (3):

CeGaT Center for Human Genetics Tuebingen
Classification: Likely benign. Last evaluated: 2026-06-01. Review status: criteria provided, single submitter. Criteria: CeGaT Center For Human Genetics Tuebingen Variant Classification Criteria Version 2. Collection method: clinical testing. Allele origin: germline. Affected: yes. Observed: 1 variant allele.
Comment: TTN: BP4, BP7

Labcorp Genetics (formerly Invitae), Labcorp
Classification: Likely benign for Dilated cardiomyopathy 1G; Autosomal recessive limb-girdle muscular dystrophy type 2J. Last evaluated: 2024-06-13. Review status: criteria provided, single submitter. Criteria: Invitae Variant Classification Sherloc (09022015). Collection method: clinical testing. Allele origin: germline.

Ambry Genetics
Classification: Likely benign for Cardiovascular phenotype. Last evaluated: 2021-05-07. Review status: criteria provided, single submitter. Criteria: Ambry Variant Classification Scheme 2023. Collection method: clinical testing. Allele origin: germline.